The following is an entry in ClinVar:

ClinVar aggregate classification (germline): Likely benign. Review status: criteria provided, multiple submitters, no conflicts (2 of 4 stars). 3 submissions from 3 submitters: Likely benign (2). 1 of the submissions does not count toward it. Last evaluated 2024-09-17.

Conditions:
Rubinstein-Taybi syndrome due to EP300 haploinsufficiency. Also called: EP300-Related Rubinstein-Taybi Syndrome; RUBINSTEIN-TAYBI SYNDROME 2. Identifiers: Orphanet 353284, Orphanet 783, MedGen C3150941, MONDO:0013364, OMIM 613684.
Colorectal cancer. Also called: Colorectal cancer, somatic; Malignant Colorectal Neoplasm. Identifiers: MedGen C0346629, MONDO:0005575, OMIM 114500.
EP300-related disorder. Also called: EP300-related condition; EP300-related disorders.

Allele frequency attached by ClinVar (database versions not stated): gnomAD exomes below 0.00001 and 0.00002; ExAC 0.00001; gnomAD 0.00002 and 0.00003; TOPMed 0.00002; ESP Exome Variant Server 0.00008.
gnomAD v4.1: 16 of 1,613,730 alleles (0.00099%); highest among the groups gnomAD compares: Non-Finnish European, 0.0014%; no homozygotes.

Submissions (3):

Blueprint Genetics
Classification: Likely benign. Last evaluated: 2024-09-17. Review status: criteria provided, single submitter. Criteria: ACMG Guidelines, 2015. Collection method: clinical testing. Allele origin: germline.

Labcorp Genetics (formerly Invitae), Labcorp
Classification: Likely benign for Rubinstein-Taybi syndrome 2; Colorectal cancer. Last evaluated: 2019-12-31. Review status: criteria provided, single submitter. Criteria: Invitae Variant Classification Sherloc (09022015). Collection method: clinical testing. Allele origin: germline.

PreventionGenetics, part of Exact Sciences
Classification: Likely benign for EP300-related condition. Last evaluated: 2021-06-08. Review status: no assertion criteria provided. Collection method: clinical testing. Allele origin: germline. Not counted in ClinVar's aggregate classification.
Comment: This variant is classified as likely benign based on ACMG/AMP sequence variant interpretation guidelines (Richards et al. 2015 PMID: 25741868, with internal and published modifications).

NM_001429.4(EP300):c.1887C>T (p.Tyr629=)

Gene: EP300 (EP300 lysine acetyltransferase; plus strand). Cytogenetic location: 22q13.2.
Variant type: single nucleotide variant.
Coding change: c.1887C>T on transcript NM_001429.4 (MANE Select); coding-DNA position 1887, C replaced by T.
Protein change: p.Tyr629=; no amino-acid change (tyrosine 629 retained).
Molecular consequence: synonymous variant.
Genome position (GRCh38, 1-based): chr22:41,141,056, C>T. VCF-style: chr22-41141056-C-T. GRCh37 (hg19) VCF-style: chr22-41537060-C-T.
Other names: c.1887C>T, p.Tyr629= (NM_001362843.2).
Identifiers: ClinVar variation 734526 (VCV000734526.6), dbSNP rs144594889, ClinGen allele CA10252670.